The following is an entry in ClinVar:

NM_001378454.1(ALMS1):c.331C>G (p.Pro111Ala)

Gene: ALMS1 (ALMS1 centrosome and basal body associated protein; plus strand). Cytogenetic location: 2p13.1.
Variant type: single nucleotide variant.
Coding change: c.331C>G on transcript NM_001378454.1 (MANE Select); coding-DNA position 331, C replaced by G.
Protein change: p.Pro111Ala; replaces proline 111 with alanine.
Molecular consequence: missense variant.
Genome position (GRCh38, 1-based): chr2:73,408,628, C>G. VCF-style: chr2-73408628-C-G. GRCh37 (hg19) VCF-style: chr2-73635756-C-G.
Other names: c.334C>G, p.Pro112Ala (NM_015120.4); short protein forms P112A, P111A.
Identifiers: ClinVar variation 403928 (VCV000403928.7), dbSNP rs368354870, ClinGen allele CA1712813.

ClinVar aggregate classification (germline): Conflicting classifications of pathogenicity. Review status: criteria provided, conflicting classifications (1 of 4 stars). 6 submissions from 6 submitters: Uncertain significance (3); Benign (1). 2 of the submissions do not count toward it. Last evaluated 2026-06-16.

Conditions:
Cardiovascular phenotype. Identifiers: MedGen CN230736.
Retinal dystrophy. Also called: Inherited retinal dystrophy. Identifiers: Orphanet 71862, MedGen C0854723, MeSH D058499, MONDO:0019118, HP:0000556.
Alstrom syndrome (ALMS). Identifiers: Orphanet 64, MedGen C0268425, MONDO:0008763, OMIM 203800.

Allele frequency attached by ClinVar (database versions not stated): ESP Exome Variant Server 0.00008; ExAC 0.00021; gnomAD exomes 0.00014.
gnomAD v4.1: 102 of 1,612,756 alleles (0.0063%); highest among the groups gnomAD compares: South Asian, 0.1%; 1 homozygote.

Submissions (6):

Ambry Genetics
Classification: Benign for Cardiovascular phenotype. Last evaluated: 2026-06-16. Review status: criteria provided, single submitter. Criteria: Ambry Variant Classification Scheme 2023. Collection method: clinical testing. Allele origin: germline.

GeneDx
Classification: Uncertain significance. Last evaluated: 2024-08-16. Review status: criteria provided, single submitter. Criteria: GeneDx Variant Classification Process June 2021. Collection method: clinical testing. Allele origin: germline. Affected: yes.
Comment: In silico analysis supports that this missense variant has a deleterious effect on protein structure/function; Has not been previously published as pathogenic or benign to our knowledge

Blueprint Genetics
Classification: Uncertain significance. Last evaluated: 2024-08-02. Review status: criteria provided, single submitter. Criteria: ACMG Guidelines, 2015. Collection method: clinical testing. Allele origin: germline.

Labcorp Genetics (formerly Invitae), Labcorp
Classification: Uncertain significance for Alstrom syndrome. Last evaluated: 2022-03-18. Review status: criteria provided, single submitter. Criteria: Invitae Variant Classification Sherloc (09022015). Collection method: clinical testing. Allele origin: germline.
Comment: This sequence change replaces proline, which is neutral and non-polar, with alanine, which is neutral and non-polar, at codon 112 of the ALMS1 protein (p.Pro112Ala). This variant is present in population databases (rs368354870, gnomAD 0.1%). This variant has not been reported in the literature in individuals affected with ALMS1-related conditions. ClinVar contains an entry for this variant (Variation ID: 403928). Experimental studies and prediction algorithms are not available or were not evaluated, and the functional significance of this variant is currently unknown. In summary, the available evidence is currently insufficient to determine the role of this variant in disease. Therefore, it has been classified as a Variant of Uncertain Significance.

Institute of Human Genetics, Univ. Regensburg, Univ. Regensburg
Classification: Uncertain significance for Retinal dystrophy. Last evaluated: 2023-01-01. Review status: no assertion criteria provided. Criteria: ACMG Guidelines, 2015. Collection method: clinical testing. Allele origin: germline. Affected: yes. Not counted in ClinVar's aggregate classification.

Natera, Inc.
Classification: Uncertain significance for Alstrom syndrome. Last evaluated: 2020-09-16. Review status: no assertion criteria provided. Collection method: clinical testing. Allele origin: germline. Not counted in ClinVar's aggregate classification.